The following is an entry in ClinVar:

NM_005428.4(VAV1):c.2369G>A (p.Arg790His)

Gene: VAV1 (vav guanine nucleotide exchange factor 1; plus strand). Cytogenetic location: 19p13.3.
Variant type: single nucleotide variant.
Coding change: c.2369G>A on transcript NM_005428.4 (MANE Select); coding-DNA position 2369, G replaced by A.
Protein change: p.Arg790His; replaces arginine 790 with histidine.
Molecular consequence: missense variant.
Genome position (GRCh38, 1-based): chr19:6,853,983, G>A. VCF-style: chr19-6853983-G-A. GRCh37 (hg19) VCF-style: chr19-6853994-G-A.
Other names: c.2303G>A, p.Arg768His (NM_001258206.2); c.2273G>A, p.Arg758His (NM_001258207.2); short protein forms R758H, R768H, R790H.
Identifiers: ClinVar variation 2983916 (VCV002983916.3), dbSNP rs1196572531, ClinGen allele CA403637789.

ClinVar aggregate classification (germline): Uncertain significance (1 of 4 stars; one submission).

Allele frequency attached by ClinVar (database versions not stated): TOPMed below 0.00001; gnomAD exomes below 0.00001.
gnomAD v4.1: 6 of 1,613,442 alleles (0.00037%); highest among the groups gnomAD compares: Admixed American, 0.0033%; no homozygotes.

Submission:

Labcorp Genetics (formerly Invitae), Labcorp
Classification: Uncertain significance. Last evaluated: 2025-12-26. Review status: criteria provided, single submitter. Criteria: Invitae Variant Classification Sherloc (09022015). Collection method: clinical testing. Allele origin: germline.
Comment: This sequence change replaces arginine, which is basic and polar, with histidine, which is basic and polar, at codon 790 of the VAV1 protein (p.Arg790His). This variant is present in population databases (no rsID available, gnomAD 0.006%). This variant has not been reported in the literature in individuals affected with VAV1-related conditions. ClinVar contains an entry for this variant (Variation ID: 2983916). An algorithm developed to predict the effect of missense changes on protein structure and function (PolyPhen-2) suggests that this variant is likely to be disruptive. In summary, the available evidence is currently insufficient to determine the role of this variant in disease. Therefore, it has been classified as a Variant of Uncertain Significance.